The following is an entry in ClinVar:

NM_017617.5(NOTCH1):c.6154G>T (p.Ala2052Ser)

Genes: NOTCH1 (notch receptor 1; minus strand), LOC126860794 (BRD4-independent group 4 enhancer GRCh37_chr9:139392592-139393791; plus strand). Cytogenetic location: 9q34.3.
Variant type: single nucleotide variant.
Coding change: c.6154G>T on transcript NM_017617.5 (MANE Select); coding-DNA position 6154, G replaced by T.
Protein change: p.Ala2052Ser; replaces alanine 2052 with serine.
Molecular consequence: missense variant.
Genome position (GRCh38, 1-based): chr9:136,498,925, C>A on the plus strand (G>T on the coding strand, the complement: NOTCH1 is on the minus strand). VCF-style: chr9-136498925-C-A. GRCh37 (hg19) VCF-style: chr9-139393377-C-A.
Other names: short protein forms A2052S.
Identifiers: ClinVar variation 3667108 (VCV003667108.2).
Genomic context (GRCh38, chr9:136,498,925, plus strand): 5'-CACGTCTCCCCTGGCATCCCAGCCTCGCGCTCACCCTGTTGTTCTGCATATCTTTGTTAG[C>A]CCCGTTCTTCAGGAGCACAACTGCGGCATCCACATTGTTCACGGCGGCGGCCCAGTGCAG-3'
Protein context (NP_060087.3, residues 2042-2062): DAAVVLLKNG[Ala2052Ser]NKDMQNNREE

ClinVar aggregate classification (germline): Uncertain significance (1 of 4 stars; one submission).

Conditions:
Adams-Oliver syndrome 5 (AOS5). Identifiers: Orphanet 974, MedGen C4014970, MONDO:0014459, OMIM 616028.

Submission:

Labcorp Genetics (formerly Invitae), Labcorp
Classification: Uncertain significance for Adams-Oliver syndrome 5. Last evaluated: 2025-01-12. Review status: criteria provided, single submitter. Criteria: Invitae Variant Classification Sherloc (09022015). Collection method: clinical testing. Allele origin: germline.
Comment: This sequence change replaces alanine, which is neutral and non-polar, with serine, which is neutral and polar, at codon 2052 of the NOTCH1 protein (p.Ala2052Ser). This variant is not present in population databases (gnomAD no frequency). This variant has not been reported in the literature in individuals affected with NOTCH1-related conditions. Invitae Evidence Modeling of protein sequence and biophysical properties (such as structural, functional, and spatial information, amino acid conservation, physicochemical variation, residue mobility, and thermodynamic stability) indicates that this missense variant is not expected to disrupt NOTCH1 protein function with a negative predictive value of 80%. In summary, the available evidence is currently insufficient to determine the role of this variant in disease. Therefore, it has been classified as a Variant of Uncertain Significance.